The following is an entry in ClinVar:

NM_001122630.2(CDKN1C):c.392C>T (p.Pro131Leu)

Gene: CDKN1C (cyclin dependent kinase inhibitor 1C; minus strand). Cytogenetic location: 11p15.4.
Variant type: single nucleotide variant.
Coding change: c.392C>T on transcript NM_001122630.2 (MANE Select); coding-DNA position 392, C replaced by T.
Protein change: p.Pro131Leu; replaces proline 131 with leucine.
Molecular consequence: missense variant. On other transcripts: intron variant (1).
Genome position (GRCh38, 1-based): chr11:2,885,065, G>A on the plus strand (C>T on the coding strand, the complement: CDKN1C is on the minus strand). VCF-style: chr11-2885065-G-A. GRCh37 (hg19) VCF-style: chr11-2906295-G-A.
Other names: c.255+137C>T (NM_001362475.2); c.425C>T, p.Pro142Leu (NM_000076.2, NM_001362474.2); c.392C>T, p.Pro131Leu (NM_001122631.2); short protein forms P131L, P142L.
Identifiers: ClinVar variation 1060700 (VCV001060700.9), dbSNP rs2133784827, ClinGen allele CA379146720.

ClinVar aggregate classification (germline): Uncertain significance (1 of 4 stars; one submission).

Conditions:
Beckwith-Wiedemann syndrome (BWS). Also called: Exomphalos macroglossia gigantism syndrome; EMG SYNDROME. Identifiers: Orphanet 116, MedGen C0004903, MONDO:0007534, OMIM 130650.

Allele frequency attached by ClinVar (database versions not stated): gnomAD exomes below 0.00001.
gnomAD v4.1: 2 of 1,357,340 alleles (0.00015%); highest among the groups gnomAD compares: South Asian, 0.0018%; no homozygotes.

Submission:

Labcorp Genetics (formerly Invitae), Labcorp
Classification: Uncertain significance for Beckwith-Wiedemann syndrome. Last evaluated: 2023-10-14. Review status: criteria provided, single submitter. Criteria: Invitae Variant Classification Sherloc (09022015). Collection method: clinical testing. Allele origin: germline.
Comment: This sequence change replaces proline, which is neutral and non-polar, with leucine, which is neutral and non-polar, at codon 142 of the CDKN1C protein (p.Pro142Leu). This variant is not present in population databases (gnomAD no frequency). This variant has not been reported in the literature in individuals affected with CDKN1C-related conditions. ClinVar contains an entry for this variant (Variation ID: 1060700). Experimental studies and prediction algorithms are not available or were not evaluated, and the functional significance of this variant is currently unknown. In summary, the available evidence is currently insufficient to determine the role of this variant in disease. Therefore, it has been classified as a Variant of Uncertain Significance.